The following is an entry in ClinVar:

ClinVar aggregate classification (germline): Uncertain significance (1 of 4 stars; one submission).

Submission:

Labcorp Genetics (formerly Invitae), Labcorp
Classification: Uncertain significance. Last evaluated: 2023-06-13. Review status: criteria provided, single submitter. Criteria: Invitae Variant Classification Sherloc (09022015). Collection method: clinical testing. Allele origin: germline.
Comment: This variant is not present in population databases (gnomAD no frequency). This variant, c.202_204del, results in the deletion of 1 amino acid(s) of the TGFB1 protein (p.Val68del), but otherwise preserves the integrity of the reading frame. This variant has not been reported in the literature in individuals affected with TGFB1-related conditions. In summary, the available evidence is currently insufficient to determine the role of this variant in disease. Therefore, it has been classified as a Variant of Uncertain Significance. Experimental studies and prediction algorithms are not available or were not evaluated, and the functional significance of this variant is currently unknown.

NM_000660.7(TGFB1):c.202_204del (p.Val68del)

Genes: TGFB1 (transforming growth factor beta 1; minus strand), LOC130064510 (ATAC-STARR-seq lymphoblastoid silent region 10661; plus strand). Cytogenetic location: 19q13.2.
Variant type: Deletion.
Coding change: c.202_204del on transcript NM_000660.7 (MANE Select); coding-DNA positions 202 to 204, 3 bases deleted (GTG; older notation c.202_204delGTG).
Protein change: p.Val68del; deletes valine 68.
Molecular consequence: inframe deletion.
Genome position (GRCh38, 1-based): chr19:41,352,841-41,352,843, CAC deleted on the plus strand (GTG on the coding strand, the reverse complement: TGFB1 is on the minus strand); deleting any 3 consecutive bases within chr19:41,352,841-41,352,844 gives the same sequence; the c. name uses the placement nearest the transcript's 3' end. VCF-style (leftmost placement, unchanged base first): chr19-41352840-GCAC-G. GRCh37 (hg19) VCF-style: chr19-41858745-GCAC-G.
Other names: short protein forms V68del.
Identifiers: ClinVar variation 2963279 (VCV002963279.3), dbSNP rs2513392631, ClinGen allele CA2585297352.